The following is an entry in ClinVar:

ClinVar aggregate classification (germline): Likely benign (1 of 4 stars; one submission).

Allele frequency attached by ClinVar (database versions not stated): gnomAD exomes 0.00095; ExAC 0.00205; gnomAD 0.00313; ESP Exome Variant Server 0.00323; 1000 Genomes Project 30x 0.00375; 1000 Genomes Project 0.00399; TOPMed 0.00424.

Submission:

CeGaT Center for Human Genetics Tuebingen
Classification: Likely benign. Last evaluated: 2025-11-01. Review status: criteria provided, single submitter. Criteria: CeGaT Center For Human Genetics Tuebingen Variant Classification Criteria Version 2. Collection method: clinical testing. Allele origin: germline. Affected: yes. Observed: 2 variant alleles.
Comment: MCM10: BP4, BS2

NM_018518.5(MCM10):c.719C>T (p.Thr240Met)

Gene: MCM10 (minichromosome maintenance 10 replication initiation factor; plus strand). Cytogenetic location: 10p13.
Variant type: single nucleotide variant.
Coding change: c.719C>T on transcript NM_018518.5 (MANE Select); coding-DNA position 719, C replaced by T.
Protein change: p.Thr240Met; replaces threonine 240 with methionine.
Molecular consequence: missense variant.
Genome position (GRCh38, 1-based): chr10:13,175,636, C>T. VCF-style: chr10-13175636-C-T. GRCh37 (hg19) VCF-style: chr10-13217636-C-T.
Other names: c.722C>T, p.Thr241Met (NM_182751.3); short protein forms T240M, T241M.
Identifiers: ClinVar variation 2640310 (VCV002640310.24), dbSNP rs35586085, ClinGen allele CA5411286.